The following is an entry in ClinVar:

NM_015175.3(NBEAL2):c.6959G>C (p.Arg2320Pro)

Gene: NBEAL2 (neurobeachin like 2; plus strand). Cytogenetic location: 3p21.31.
Variant type: single nucleotide variant.
Coding change: c.6959G>C on transcript NM_015175.3 (MANE Select); coding-DNA position 6959, G replaced by C.
Protein change: p.Arg2320Pro; replaces arginine 2320 with proline.
Molecular consequence: missense variant.
Genome position (GRCh38, 1-based): chr3:47,006,204, G>C. VCF-style: chr3-47006204-G-C. GRCh37 (hg19) VCF-style: chr3-47047694-G-C.
Other names: c.6857G>C, p.Arg2286Pro (NM_001365116.2); short protein forms R2286P, R2320P.
Identifiers: ClinVar variation 812963 (VCV000812963.2), dbSNP rs377326649, ClinGen allele CA352539041.

ClinVar aggregate classification (germline): Uncertain significance (1 of 4 stars; one submission).

Conditions:
Gray platelet syndrome (GPS). Also called: BLEEDING DISORDER, PLATELET-TYPE, 4. Identifiers: Orphanet 721, MedGen C0272302, MONDO:0007686, OMIM 139090.

gnomAD v4.1: 1 of 1,613,906 alleles (0.000062%); highest among the groups gnomAD compares: Non-Finnish European, 0.000085%; no homozygotes.

Submission:

NIHR Bioresource Rare Diseases, University of Cambridge
Classification: Uncertain significance for Gray platelet syndrome. Last evaluated: 2020-03-01. Review status: criteria provided, single submitter. Criteria: ACMG Guidelines, 2015. Collection method: research. Allele origin: unknown. Inheritance: Autosomal recessive inheritance. Affected: yes.
Comment: ACMG criteria: PM2, PP3, PP4

Literature cited by the submitters: PubMed 32693407; PubMed 32581362.